The following is an entry in ClinVar:

NM_024312.5(GNPTAB):c.142C>T (p.Gln48Ter)

Gene: GNPTAB (N-acetylglucosamine-1-phosphate transferase subunits alpha and beta; minus strand). Cytogenetic location: 12q23.2.
Variant type: single nucleotide variant.
Coding change: c.142C>T on transcript NM_024312.5 (MANE Select); coding-DNA position 142, C replaced by T.
Protein change: p.Gln48Ter; replaces glutamine 48 with a stop codon.
Molecular consequence: nonsense.
Genome position (GRCh38, 1-based): chr12:101,796,738, G>A on the plus strand (C>T on the coding strand, the complement: GNPTAB is on the minus strand). VCF-style: chr12-101796738-G-A. GRCh37 (hg19) VCF-style: chr12-102190516-G-A.
Other names: short protein forms Q48*.
Identifiers: ClinVar variation 2009926 (VCV002009926.4), dbSNP rs2137158804, ClinGen allele CA386305779.

ClinVar aggregate classification (germline): Pathogenic (1 of 4 stars; one submission).

Conditions:
Pseudo-Hurler polydystrophy. Also called: MUCOLIPIDOSIS IIIA; ML III; ML III ALPHA/BETA; Type III Mucolipidosis; ML IIIA; Mucolipidosis III Alpha/Beta. Identifiers: Orphanet 423461, Orphanet 577, MedGen C0033788, MONDO:0018931, OMIM 252600.
Mucolipidosis type II. Also called: Mucolipidosis II Alpha/Beta; ML II ALPHA/BETA; Mucolipidosis 2; ML 2; Inclusion cell disease; Leroy Disease. Identifiers: Orphanet 576, MedGen C2673377, MONDO:0009650, OMIM 252500.

Submission:

Labcorp Genetics (formerly Invitae), Labcorp
Classification: Pathogenic for Pseudo-Hurler polydystrophy; Mucolipidosis type II. Last evaluated: 2022-06-23. Review status: criteria provided, single submitter. Criteria: Invitae Variant Classification Sherloc (09022015). Collection method: clinical testing. Allele origin: germline.
Comment: Algorithms developed to predict the effect of sequence changes on RNA splicing suggest that this variant may create or strengthen a splice site. This sequence change creates a premature translational stop signal (p.Gln48*) in the GNPTAB gene. It is expected to result in an absent or disrupted protein product. Loss-of-function variants in GNPTAB are known to be pathogenic (PMID: 19617216, 25107912). This variant is not present in population databases (gnomAD no frequency). This variant has not been reported in the literature in individuals affected with GNPTAB-related conditions. For these reasons, this variant has been classified as Pathogenic.

Literature cited by the submitters: PubMed 19617216; PubMed 25107912.